The following is an entry in ClinVar:

NM_002693.3(POLG):c.2843T>C (p.Ile948Thr)

Gene: POLG (DNA polymerase gamma, catalytic subunit; minus strand). Cytogenetic location: 15q26.1.
Variant type: single nucleotide variant.
Coding change: c.2843T>C on transcript NM_002693.3 (MANE Select); coding-DNA position 2843, T replaced by C.
Protein change: p.Ile948Thr; replaces isoleucine 948 with threonine.
Molecular consequence: missense variant.
Genome position (GRCh38, 1-based): chr15:89,320,904, A>G on the plus strand (T>C on the coding strand, the complement: POLG is on the minus strand). VCF-style: chr15-89320904-A-G. GRCh37 (hg19) VCF-style: chr15-89864135-A-G.
Other names: c.2843T>C, p.Ile948Thr (NM_001126131.2); short protein forms I948T.
Identifiers: ClinVar variation 4847855 (VCV004847855.1).

ClinVar aggregate classification (germline): Uncertain significance (1 of 4 stars; one submission).

gnomAD v4.1: 2 of 1,613,992 alleles (0.00012%); highest among the groups gnomAD compares: African/African-American, 0.0013%; no homozygotes.

Submission:

Women's Health and Genetics/Laboratory Corporation of America, LabCorp
Classification: Uncertain significance. Last evaluated: 2026-02-13. Review status: criteria provided, single submitter. Criteria: LabCorp Variant Classification Summary - May 2015. Collection method: clinical testing. Allele origin: germline.
Comment: Variant summary: POLG c.2843T>C (p.Ile948Thr) results in a non-conservative amino acid change in the encoded protein sequence. Algorithms developed to predict the effect of missense changes on protein structure and function all suggest that this variant is likely to be disruptive. The variant was absent in 251172 control chromosomes. The available data on variant occurrences in the general population are insufficient to allow any conclusion about variant significance. c.2843T>C has been observed in an individual affected with cerebellar ataxia and multiple mitochondrial DNA deletions (Nogueira_2024). However, this report does not provide unequivocal conclusions about association of the variant with POLG-related conditions. To our knowledge, no experimental evidence demonstrating an impact on protein function has been reported. The following publication has been ascertained in the context of this evaluation (PMID: 38465286). No submitters have cited clinical-significance assessments for this variant to ClinVar. Based on the evidence outlined above, the variant was classified as uncertain significance.

Literature cited by the submitters: PubMed 38465286.